The following is an entry in ClinVar:

ClinVar aggregate classification (germline): Likely benign (1 of 4 stars; one submission).

Allele frequency attached by ClinVar (database versions not stated): ExAC 0.00001; gnomAD exomes 0.00001; TOPMed 0.00001; gnomAD 0.00002; ESP Exome Variant Server 0.00008.
gnomAD v4.1: 13 of 1,612,338 alleles (0.00081%); highest among the groups gnomAD compares: Non-Finnish European, 0.001%; no homozygotes.

Submission:

CeGaT Center for Human Genetics Tuebingen
Classification: Likely benign. Last evaluated: 2023-05-01. Review status: criteria provided, single submitter. Criteria: CeGaT Center For Human Genetics Tuebingen Variant Classification Criteria Version 2. Collection method: clinical testing. Allele origin: germline. Affected: yes. Observed: 1 variant allele.
Comment: DHX30: BP4, BP7

NM_138615.3(DHX30):c.3075C>A (p.Pro1025=)

Gene: DHX30 (DExH-box helicase 30; plus strand). Cytogenetic location: 3p21.31.
Variant type: single nucleotide variant.
Coding change: c.3075C>A on transcript NM_138615.3 (MANE Select); coding-DNA position 3075, C replaced by A.
Protein change: p.Pro1025=; no amino-acid change (proline 1025 retained).
Molecular consequence: synonymous variant.
Genome position (GRCh38, 1-based): chr3:47,849,337, C>A. VCF-style: chr3-47849337-C-A. GRCh37 (hg19) VCF-style: chr3-47890827-C-A.
Other names: c.2991C>A, p.Pro997= (NM_001330990.2); c.2958C>A, p.Pro986= (NM_014966.4).
Identifiers: ClinVar variation 2653779 (VCV002653779.24), dbSNP rs145877201, ClinGen allele CA2370284.